The following continues an entry in ClinVar:

NM_020117.11(LARS1):c.2488-7T>G

Gene: LARS1. ClinVar aggregate classification (germline): Benign. Benign (2).

Submissions 68 to 106 of 106:

Dr. Peter K. Rogan Lab, Western University
No classification provided (evidence only). Condition: Nonpapillary renal cell carcinoma. Review status: no classification provided. Collection method: in vitro. Allele origin: not applicable. Functional consequence: retained intron. Not counted in ClinVar's aggregate classification.

Dr. Peter K. Rogan Lab, Western University
No classification provided (evidence only). Condition: Nonpapillary renal cell carcinoma. Review status: no classification provided. Collection method: in vitro. Allele origin: not applicable. Functional consequence: retained intron. Not counted in ClinVar's aggregate classification.

Dr. Peter K. Rogan Lab, Western University
No classification provided (evidence only). Condition: Nonpapillary renal cell carcinoma. Review status: no classification provided. Collection method: in vitro. Allele origin: not applicable. Functional consequence: retained intron. Not counted in ClinVar's aggregate classification.

Dr. Peter K. Rogan Lab, Western University
No classification provided (evidence only). Condition: Nonpapillary renal cell carcinoma. Review status: no classification provided. Collection method: in vitro. Allele origin: not applicable. Functional consequence: retained intron. Not counted in ClinVar's aggregate classification.

Dr. Peter K. Rogan Lab, Western University
No classification provided (evidence only). Condition: Nonpapillary renal cell carcinoma. Review status: no classification provided. Collection method: in vitro. Allele origin: not applicable. Functional consequence: retained intron. Not counted in ClinVar's aggregate classification.

Dr. Peter K. Rogan Lab, Western University
No classification provided (evidence only). Condition: Nonpapillary renal cell carcinoma. Review status: no classification provided. Collection method: in vitro. Allele origin: not applicable. Functional consequence: retained intron. Not counted in ClinVar's aggregate classification.

Dr. Peter K. Rogan Lab, Western University
No classification provided (evidence only). Condition: Nonpapillary renal cell carcinoma. Review status: no classification provided. Collection method: in vitro. Allele origin: not applicable. Functional consequence: retained intron. Not counted in ClinVar's aggregate classification.

Dr. Peter K. Rogan Lab, Western University
No classification provided (evidence only). Condition: Familial pancreatic carcinoma. Review status: no classification provided. Collection method: in vitro. Allele origin: not applicable. Functional consequence: retained intron. Not counted in ClinVar's aggregate classification.

Dr. Peter K. Rogan Lab, Western University
No classification provided (evidence only). Condition: Familial pancreatic carcinoma. Review status: no classification provided. Collection method: in vitro. Allele origin: not applicable. Functional consequence: retained intron. Not counted in ClinVar's aggregate classification.

Dr. Peter K. Rogan Lab, Western University
No classification provided (evidence only). Condition: Familial pancreatic carcinoma. Review status: no classification provided. Collection method: in vitro. Allele origin: not applicable. Functional consequence: retained intron. Not counted in ClinVar's aggregate classification.

Dr. Peter K. Rogan Lab, Western University
No classification provided (evidence only). Condition: Familial pancreatic carcinoma. Review status: no classification provided. Collection method: in vitro. Allele origin: not applicable. Functional consequence: retained intron. Not counted in ClinVar's aggregate classification.

Dr. Peter K. Rogan Lab, Western University
No classification provided (evidence only). Condition: Familial pancreatic carcinoma. Review status: no classification provided. Collection method: in vitro. Allele origin: not applicable. Functional consequence: retained intron. Not counted in ClinVar's aggregate classification.

Dr. Peter K. Rogan Lab, Western University
No classification provided (evidence only). Condition: Familial pancreatic carcinoma. Review status: no classification provided. Collection method: in vitro. Allele origin: not applicable. Functional consequence: retained intron. Not counted in ClinVar's aggregate classification.

Dr. Peter K. Rogan Lab, Western University
No classification provided (evidence only). Condition: Familial pancreatic carcinoma. Review status: no classification provided. Collection method: in vitro. Allele origin: not applicable. Functional consequence: retained intron. Not counted in ClinVar's aggregate classification.

Dr. Peter K. Rogan Lab, Western University
No classification provided (evidence only). Condition: Familial pancreatic carcinoma. Review status: no classification provided. Collection method: in vitro. Allele origin: not applicable. Functional consequence: retained intron. Not counted in ClinVar's aggregate classification.

Dr. Peter K. Rogan Lab, Western University
No classification provided (evidence only). Condition: Lymphoma. Review status: no classification provided. Collection method: in vitro. Allele origin: not applicable. Functional consequence: retained intron. Not counted in ClinVar's aggregate classification.

Dr. Peter K. Rogan Lab, Western University
No classification provided (evidence only). Condition: Lymphoma. Review status: no classification provided. Collection method: in vitro. Allele origin: not applicable. Functional consequence: retained intron. Not counted in ClinVar's aggregate classification.

Dr. Peter K. Rogan Lab, Western University
No classification provided (evidence only). Condition: Lymphoma. Review status: no classification provided. Collection method: in vitro. Allele origin: not applicable. Functional consequence: retained intron. Not counted in ClinVar's aggregate classification.

Dr. Peter K. Rogan Lab, Western University
No classification provided (evidence only). Condition: Lymphoma. Review status: no classification provided. Collection method: in vitro. Allele origin: not applicable. Functional consequence: retained intron. Not counted in ClinVar's aggregate classification.

Dr. Peter K. Rogan Lab, Western University
No classification provided (evidence only). Condition: Lymphoma. Review status: no classification provided. Collection method: in vitro. Allele origin: not applicable. Functional consequence: retained intron. Not counted in ClinVar's aggregate classification.

Dr. Peter K. Rogan Lab, Western University
No classification provided (evidence only). Condition: Lymphoma. Review status: no classification provided. Collection method: in vitro. Allele origin: not applicable. Functional consequence: retained intron. Not counted in ClinVar's aggregate classification.

Dr. Peter K. Rogan Lab, Western University
No classification provided (evidence only). Condition: Lymphoma. Review status: no classification provided. Collection method: in vitro. Allele origin: not applicable. Functional consequence: retained intron. Not counted in ClinVar's aggregate classification.

Dr. Peter K. Rogan Lab, Western University
No classification provided (evidence only). Condition: Lymphoma. Review status: no classification provided. Collection method: in vitro. Allele origin: not applicable. Functional consequence: retained intron. Not counted in ClinVar's aggregate classification.

Dr. Peter K. Rogan Lab, Western University
No classification provided (evidence only). Condition: Lymphoma. Review status: no classification provided. Collection method: in vitro. Allele origin: not applicable. Functional consequence: retained intron. Not counted in ClinVar's aggregate classification.

Dr. Peter K. Rogan Lab, Western University
No classification provided (evidence only). Condition: Lymphoma. Review status: no classification provided. Collection method: in vitro. Allele origin: not applicable. Functional consequence: retained intron. Not counted in ClinVar's aggregate classification.

Dr. Peter K. Rogan Lab, Western University
No classification provided (evidence only). Condition: Lymphoma. Review status: no classification provided. Collection method: in vitro. Allele origin: not applicable. Functional consequence: retained intron. Not counted in ClinVar's aggregate classification.

Dr. Peter K. Rogan Lab, Western University
No classification provided (evidence only). Condition: Lymphoma. Review status: no classification provided. Collection method: in vitro. Allele origin: not applicable. Functional consequence: retained intron. Not counted in ClinVar's aggregate classification.

Dr. Peter K. Rogan Lab, Western University
No classification provided (evidence only). Condition: Lymphoma. Review status: no classification provided. Collection method: in vitro. Allele origin: not applicable. Functional consequence: retained intron. Not counted in ClinVar's aggregate classification.

Dr. Peter K. Rogan Lab, Western University
No classification provided (evidence only). Condition: Lymphoma. Review status: no classification provided. Collection method: in vitro. Allele origin: not applicable. Functional consequence: retained intron. Not counted in ClinVar's aggregate classification.

Dr. Peter K. Rogan Lab, Western University
No classification provided (evidence only). Condition: Lymphoma. Review status: no classification provided. Collection method: in vitro. Allele origin: not applicable. Functional consequence: retained intron. Not counted in ClinVar's aggregate classification.

Dr. Peter K. Rogan Lab, Western University
No classification provided (evidence only). Condition: Lymphoma. Review status: no classification provided. Collection method: in vitro. Allele origin: not applicable. Functional consequence: retained intron. Not counted in ClinVar's aggregate classification.

Dr. Peter K. Rogan Lab, Western University
No classification provided (evidence only). Condition: Lymphoma. Review status: no classification provided. Collection method: in vitro. Allele origin: not applicable. Functional consequence: retained intron. Not counted in ClinVar's aggregate classification.

Dr. Peter K. Rogan Lab, Western University
No classification provided (evidence only). Condition: Lymphoma. Review status: no classification provided. Collection method: in vitro. Allele origin: not applicable. Functional consequence: retained intron. Not counted in ClinVar's aggregate classification.

Dr. Peter K. Rogan Lab, Western University
No classification provided (evidence only). Condition: Lymphoma. Review status: no classification provided. Collection method: in vitro. Allele origin: not applicable. Functional consequence: retained intron. Not counted in ClinVar's aggregate classification.

Dr. Peter K. Rogan Lab, Western University
No classification provided (evidence only). Condition: Ovarian cancer. Review status: no classification provided. Collection method: in vitro. Allele origin: not applicable. Functional consequence: retained intron. Not counted in ClinVar's aggregate classification.

Dr. Peter K. Rogan Lab, Western University
No classification provided (evidence only). Condition: Ovarian cancer. Review status: no classification provided. Collection method: in vitro. Allele origin: not applicable. Functional consequence: retained intron. Not counted in ClinVar's aggregate classification.

Dr. Peter K. Rogan Lab, Western University
No classification provided (evidence only). Condition: Ovarian cancer. Review status: no classification provided. Collection method: in vitro. Allele origin: not applicable. Functional consequence: retained intron. Not counted in ClinVar's aggregate classification.

Dr. Peter K. Rogan Lab, Western University
No classification provided (evidence only). Condition: Ovarian cancer. Review status: no classification provided. Collection method: in vitro. Allele origin: not applicable. Functional consequence: retained intron. Not counted in ClinVar's aggregate classification.

Dr. Peter K. Rogan Lab, Western University
No classification provided (evidence only). Condition: Ovarian cancer. Review status: no classification provided. Collection method: in vitro. Allele origin: not applicable. Functional consequence: retained intron. Not counted in ClinVar's aggregate classification.